The following is an entry in ClinVar:

NM_024306.5(FA2H):c.921C>T (p.Gly307=)

Gene: FA2H (fatty acid 2-hydroxylase; minus strand). Cytogenetic location: 16q23.1.
Variant type: single nucleotide variant.
Coding change: c.921C>T on transcript NM_024306.5 (MANE Select); coding-DNA position 921, C replaced by T.
Protein change: p.Gly307=; no amino-acid change (glycine 307 retained).
Molecular consequence: synonymous variant.
Genome position (GRCh38, 1-based): chr16:74,716,465, G>A on the plus strand (C>T on the coding strand, the complement: FA2H is on the minus strand). VCF-style: chr16-74716465-G-A. GRCh37 (hg19) VCF-style: chr16-74750363-G-A.
Other names: p.Gly307=; c.921C>T (NM_024306.4).
Identifiers: ClinVar variation 2189404 (VCV002189404.6), dbSNP rs149698079, ClinGen allele CA8170351.

ClinVar aggregate classification (germline): Benign/Likely benign. Review status: criteria provided, multiple submitters, no conflicts (2 of 4 stars). 3 submissions from 3 submitters: Benign (2); Likely benign (1). Last evaluated 2025-12-31.

Conditions:
Spastic paraplegia. Identifiers: MedGen C0037772, HP:0001258.

Allele frequency attached by ClinVar (database versions not stated): gnomAD exomes 0.00010; ExAC 0.00030; 1000 Genomes Project 30x 0.00062; 1000 Genomes Project 0.00080; ESP Exome Variant Server 0.00108; gnomAD 0.00109; TOPMed 0.00114.
gnomAD v4.1: 307 of 1,613,946 alleles (0.019%); highest among the groups gnomAD compares: African/African-American, 0.38%; no homozygotes.

Submissions (3):

Labcorp Genetics (formerly Invitae), Labcorp
Classification: Benign for Spastic paraplegia. Last evaluated: 2025-12-31. Review status: criteria provided, single submitter. Criteria: Invitae Variant Classification Sherloc (09022015). Collection method: clinical testing. Allele origin: germline.

Mayo Clinic Laboratories, Mayo Clinic
Classification: Likely benign. Last evaluated: 2025-09-23. Review status: criteria provided, single submitter. Criteria: ACMG Guidelines, 2015. Collection method: clinical testing. Allele origin: germline. Observed: 2 variant alleles.
Comment: BS1, BP4, BP7

Athena Diagnostics
Classification: Benign. Last evaluated: 2024-04-16. Review status: criteria provided, single submitter. Criteria: Athena Diagnostics Criteria. Collection method: clinical testing. Allele origin: unknown.